The following is an entry in ClinVar:

ClinVar aggregate classification (germline): Uncertain significance (1 of 4 stars; one submission).

Allele frequency attached by ClinVar (database versions not stated): gnomAD exomes below 0.00001; TOPMed below 0.00001.
gnomAD v4.1: 1 of 1,614,070 alleles (0.000062%); highest among the groups gnomAD compares: Non-Finnish European, 0.000085%; no homozygotes.

Submission:

Labcorp Genetics (formerly Invitae), Labcorp
Classification: Uncertain significance. Last evaluated: 2022-11-12. Review status: criteria provided, single submitter. Criteria: Invitae Variant Classification Sherloc (09022015). Collection method: clinical testing. Allele origin: germline.
Comment: This sequence change replaces lysine, which is basic and polar, with glutamic acid, which is acidic and polar, at codon 224 of the DHX32 protein (p.Lys224Glu). This variant is not present in population databases (gnomAD no frequency). In summary, the available evidence is currently insufficient to determine the role of this variant in disease. Therefore, it has been classified as a Variant of Uncertain Significance. Algorithms developed to predict the effect of missense changes on protein structure and function are either unavailable or do not agree on the potential impact of this missense change (SIFT: "Deleterious"; PolyPhen-2: "Benign"; Align-GVGD: "Class C0"). This variant has not been reported in the literature in individuals affected with DHX32-related conditions.

NM_018180.3(DHX32):c.670A>G (p.Lys224Glu)

Gene: DHX32 (DEAH-box helicase 32 (putative); minus strand). Cytogenetic location: 10q26.2.
Variant type: single nucleotide variant.
Coding change: c.670A>G on transcript NM_018180.3 (MANE Select); coding-DNA position 670, A replaced by G.
Protein change: p.Lys224Glu; replaces lysine 224 with glutamic acid.
Molecular consequence: missense variant.
Genome position (GRCh38, 1-based): chr10:125,859,782, T>C on the plus strand (A>G on the coding strand, the complement: DHX32 is on the minus strand). VCF-style: chr10-125859782-T-C. GRCh37 (hg19) VCF-style: chr10-127548351-T-C.
Other names: short protein forms K224E.
Identifiers: ClinVar variation 1958719 (VCV001958719.5), dbSNP rs1465176198, ClinGen allele CA378678604.